The following is an entry in ClinVar:

NM_000059.4(BRCA2):c.7680dup (p.Gln2561fs)

Gene: BRCA2 (BRCA2 DNA repair associated; plus strand). Cytogenetic location: 13q13.1.
Variant type: Duplication.
Coding change: c.7680dup on transcript NM_000059.4 (MANE Select); coding-DNA position 7680, one base duplicated (T; older notation c.7680dupT).
Protein change: p.Gln2561fs; shifts the reading frame from glutamine 2561.
Molecular consequence: frameshift variant.
Genome position (GRCh38, 1-based): chr13:32,357,804, T duplicated; the last of 4 consecutive T bases (chr13:32,357,801-32,357,804); duplicating any one gives the same sequence. VCF-style (leftmost placement, unchanged base first): chr13-32357800-C-CT. GRCh37 (hg19) VCF-style: chr13-32931937-C-CT.
Other names: 7908insT; c.7680dupT (NM_000059.3); short protein forms Q2561fs.
Identifiers: ClinVar variation 52385 (VCV000052385.17), dbSNP rs80359673, ClinGen allele CA025225.

ClinVar aggregate classification (germline): Pathogenic. Review status: reviewed by expert panel (3 of 4 stars). 6 submissions from 6 submitters: Pathogenic (1). 5 of the submissions do not count toward it. Last evaluated 2016-09-08.

Conditions:
Hereditary cancer-predisposing syndrome. Also called: Neoplastic Syndromes, Hereditary; Hereditary neoplastic syndrome; Hereditary Cancer Syndrome; Tumor predisposition. Identifiers: Orphanet 140162, MedGen C0027672, MeSH D009386, MONDO:0015356.
Hereditary breast ovarian cancer syndrome. Also called: BRCA1- and BRCA2-Associated Hereditary Breast and Ovarian Cancer; Hereditary breast and ovarian cancer syndrome (HBOC); Hereditary breast and ovarian cancer syndrome; Hereditary breast and/or ovarian cancer syndrome; Breast and ovarian cancer; Hereditary breast and ovarian cancer. Identifiers: Orphanet 145, MedGen C0677776, MeSH D061325, MONDO:0003582. Disease mechanism: loss of function.
Breast-ovarian cancer, familial, susceptibility to, 2 (BROVCA2). Also called: BRCA2 Hereditary Breast and Ovarian Cancer. Identifiers: Orphanet 145, MedGen C2675520, MONDO:0012933, OMIM 612555. Disease mechanism: loss of function.

Submissions (6):

Evidence-based Network for the Interpretation of Germline Mutant Alleles (ENIGMA)
Classification: Pathogenic for Breast-ovarian cancer, familial, susceptibility to, 2. Last evaluated: 2016-09-08. Review status: reviewed by expert panel. Criteria: ENIGMA BRCA1/2 Classification Criteria (2015). Collection method: curation. Allele origin: germline.
Comment: Variant allele predicted to encode a truncated non-functional protein.

Ambry Genetics
Classification: Pathogenic for Hereditary cancer-predisposing syndrome. Last evaluated: 2026-06-25. Review status: criteria provided, single submitter. Criteria: Ambry Variant Classification Scheme 2023. Collection method: clinical testing. Allele origin: germline. Not counted in ClinVar's aggregate classification.
Comment: The c.7680dupT pathogenic mutation, located in coding exon 15 of the BRCA2 gene, results from a duplication of T at nucleotide position 7680, causing a translational frameshift with a predicted alternate stop codon (p.Q2561Sfs*5). This variant is considered to be rare based on population cohorts in the Genome Aggregation Database (gnomAD). This alteration is expected to result in loss of function by premature protein truncation or nonsense-mediated mRNA decay. As such, this alteration is interpreted as a disease-causing mutation.

Labcorp Genetics (formerly Invitae), Labcorp
Classification: Pathogenic for Hereditary breast ovarian cancer syndrome. Last evaluated: 2025-12-24. Review status: criteria provided, single submitter. Criteria: Invitae Variant Classification Sherloc (09022015). Collection method: clinical testing. Allele origin: germline. Not counted in ClinVar's aggregate classification.
Comment: This sequence change creates a premature translational stop signal (p.Gln2561Serfs*5) in the BRCA2 gene. It is expected to result in an absent or disrupted protein product. Loss-of-function variants in BRCA2 are known to be pathogenic (PMID: 20104584). This variant is not present in population databases (gnomAD no frequency). This premature translational stop signal has been observed in individual(s) with breast and/or ovarian cancer (PMID: 21120943, 29084914, 29339979). ClinVar contains an entry for this variant (Variation ID: 52385). For these reasons, this variant has been classified as Pathogenic.

Department of Medical Genetics, Oslo University Hospital
Classification: Pathogenic for Breast-ovarian cancer, familial, susceptibility to, 2. Last evaluated: 2015-10-16. Review status: criteria provided, single submitter. Criteria: ACMG Guidelines, 2015. Collection method: clinical testing. Allele origin: germline. Affected: yes. Observed: 1 variant allele. Not counted in ClinVar's aggregate classification.

Consortium of Investigators of Modifiers of BRCA1/2 (CIMBA), c/o University of Cambridge
Classification: Pathogenic for Breast-ovarian cancer, familial, susceptibility to, 2. Last evaluated: 2015-10-02. Review status: criteria provided, single submitter. Criteria: CIMBA Mutation Classification guidelines May 2016. Collection method: clinical testing. Allele origin: germline. Not counted in ClinVar's aggregate classification.

Sharing Clinical Reports Project (SCRP)
Classification: Pathogenic for Breast-ovarian cancer, familial 2. Last evaluated: 2008-12-10. Review status: no assertion criteria provided. Collection method: clinical testing. Allele origin: germline. Not counted in ClinVar's aggregate classification.

Literature cited by the submitters: PubMed 21120943 (cited by Ambry Genetics and Labcorp Genetics (formerly Invitae), Labcorp); PubMed 29084914 (cited by Ambry Genetics and Labcorp Genetics (formerly Invitae), Labcorp); PubMed 29339979 (cited by Ambry Genetics and Labcorp Genetics (formerly Invitae), Labcorp); PubMed 20104584 (cited by Labcorp Genetics (formerly Invitae), Labcorp).